The following is an entry in ClinVar:

NM_001034853.2(RPGR):c.2464G>A (p.Gly822Arg)

Gene: RPGR (retinitis pigmentosa GTPase regulator; minus strand). Cytogenetic location: Xp11.4.
Variant type: single nucleotide variant.
Coding change: c.2464G>A on transcript NM_001034853.2 (MANE Select); coding-DNA position 2464, G replaced by A.
Protein change: p.Gly822Arg; replaces glycine 822 with arginine.
Molecular consequence: missense variant. On other transcripts: intron variant (8).
Genome position (GRCh38, 1-based): chrX:38,286,535, C>T on the plus strand (G>A on the coding strand, the complement: RPGR is on the minus strand). VCF-style: chrX-38286535-C-T. GRCh37 (hg19) VCF-style: chrX-38145788-C-T.
Other names: c.1569+4424G>A (NM_001367249.1, NM_001367250.1); c.1902+559G>A (NM_001367245.1); c.1386+4424G>A (NM_001367251.1); c.1719+559G>A (NM_001367246.1); c.1572+4424G>A (NM_001367247.1); c.1905+559G>A (NM_000328.3); c.1602+4424G>A (NM_001367248.1); short protein forms G822R.
Identifiers: ClinVar variation 2808159 (VCV002808159.3), dbSNP rs375806829, ClinGen allele CA327915944.

ClinVar aggregate classification (germline): Uncertain significance (1 of 4 stars; one submission).

Conditions:
Primary ciliary dyskinesia. Also called: Ciliary dyskinesia. Identifiers: Orphanet 244, MedGen C0008780, MONDO:0016575, HP:0012265.

Allele frequency attached by ClinVar (database versions not stated): ESP Exome Variant Server 0.00011.

Submission:

Labcorp Genetics (formerly Invitae), Labcorp
Classification: Uncertain significance for Primary ciliary dyskinesia. Last evaluated: 2024-12-12. Review status: criteria provided, single submitter. Criteria: Invitae Variant Classification Sherloc (09022015). Collection method: clinical testing. Allele origin: germline.
Comment: This sequence change replaces glycine, which is neutral and non-polar, with arginine, which is basic and polar, at codon 822 of the RPGR (ORF15) protein (p.Gly822Arg). This variant is not present in population databases (gnomAD no frequency). This variant has not been reported in the literature in individuals affected with RPGR (ORF15)-related conditions. ClinVar contains an entry for this variant (Variation ID: 2808159). Invitae Evidence Modeling of protein sequence and biophysical properties (such as structural, functional, and spatial information, amino acid conservation, physicochemical variation, residue mobility, and thermodynamic stability) indicates that this missense variant is not expected to disrupt RPGR (ORF15) protein function with a negative predictive value of 95%. In summary, the available evidence is currently insufficient to determine the role of this variant in disease. Therefore, it has been classified as a Variant of Uncertain Significance.